The following is an entry in ClinVar:

ClinVar aggregate classification (germline): Uncertain significance (1 of 4 stars; one submission).

Submission:

CeGaT Center for Human Genetics Tuebingen
Classification: Uncertain significance. Last evaluated: 2025-09-01. Review status: criteria provided, single submitter. Criteria: CeGaT Center For Human Genetics Tuebingen Variant Classification Criteria Version 2. Collection method: clinical testing. Allele origin: germline. Affected: yes. Observed: 1 variant allele.
Comment: MED13: PM2

NM_005121.3(MED13):c.1931G>A (p.Gly644Glu)

Gene: MED13 (mediator complex subunit 13; minus strand). Cytogenetic location: 17q23.2.
Variant type: single nucleotide variant.
Coding change: c.1931G>A on transcript NM_005121.3 (MANE Select); coding-DNA position 1931, G replaced by A.
Protein change: p.Gly644Glu; replaces glycine 644 with glutamic acid.
Molecular consequence: missense variant.
Genome position (GRCh38, 1-based): chr17:62,010,586, C>T on the plus strand (G>A on the coding strand, the complement: MED13 is on the minus strand). VCF-style: chr17-62010586-C-T. GRCh37 (hg19) VCF-style: chr17-60087947-C-T.
Other names: short protein forms G644E.
Identifiers: ClinVar variation 4085002 (VCV004085002.8).